The following is an entry in ClinVar:

NM_001304438.2(TMEM132E):c.956C>G (p.Ser319Cys)

Gene: TMEM132E (transmembrane protein 132E; plus strand). Cytogenetic location: 17q12.
Variant type: single nucleotide variant.
Coding change: c.956C>G on transcript NM_001304438.2 (MANE Select); coding-DNA position 956, C replaced by G.
Protein change: p.Ser319Cys; replaces serine 319 with cysteine.
Molecular consequence: missense variant.
Genome position (GRCh38, 1-based): chr17:34,627,015, C>G. VCF-style: chr17-34627015-C-G. GRCh37 (hg19) VCF-style: chr17-32954034-C-G.
Other names: short protein forms S319C.
Identifiers: ClinVar variation 2058623 (VCV002058623.4), dbSNP rs1243962719, ClinGen allele CA399071357.

ClinVar aggregate classification (germline): Uncertain significance (1 of 4 stars; one submission).

Allele frequency attached by ClinVar (database versions not stated): gnomAD exomes below 0.00001.
gnomAD v4.1: 5 of 1,613,788 alleles (0.00031%); highest among the groups gnomAD compares: Non-Finnish European, 0.00025%; no homozygotes.

Submission:

Labcorp Genetics (formerly Invitae), Labcorp
Classification: Uncertain significance. Last evaluated: 2024-11-11. Review status: criteria provided, single submitter. Criteria: Invitae Variant Classification Sherloc (09022015). Collection method: clinical testing. Allele origin: germline.
Comment: This sequence change replaces serine, which is neutral and polar, with cysteine, which is neutral and slightly polar, at codon 319 of the TMEM132E protein (p.Ser319Cys). This variant is present in population databases (no rsID available, gnomAD 0.0009%). This variant has not been reported in the literature in individuals affected with TMEM132E-related conditions. ClinVar contains an entry for this variant (Variation ID: 2058623). Experimental studies and prediction algorithms are not available or were not evaluated, and the functional significance of this variant is currently unknown. In summary, the available evidence is currently insufficient to determine the role of this variant in disease. Therefore, it has been classified as a Variant of Uncertain Significance.